The following is an entry in ClinVar:

NM_001384900.1(SEMA3D):c.152-6C>G

Gene: SEMA3D (semaphorin 3D; minus strand). Cytogenetic location: 7q21.11.
Variant type: single nucleotide variant.
Coding change: c.152-6C>G on transcript NM_001384900.1 (MANE Select); 6 bases into the intron before coding-DNA position 152, C replaced by G.
Molecular consequence: intron variant.
Genome position (GRCh38, 1-based): chr7:85,097,971, G>C on the plus strand (C>G on the coding strand, the complement: SEMA3D is on the minus strand). VCF-style: chr7-85097971-G-C. GRCh37 (hg19) VCF-style: chr7-84727287-G-C.
Other names: c.152-6C>G (NM_001384901.1, NM_001384903.1, NM_001384902.1 and 1 more transcripts).
Identifiers: ClinVar variation 4990433 (VCV004990433.1).

ClinVar aggregate classification (germline): Uncertain significance (1 of 4 stars; one submission).

Conditions:
SEMA3D-related disorder. Also called: SEMA3D-related condition.

gnomAD v4.1: 4 of 1,463,716 alleles (0.00027%); highest among the groups gnomAD compares: Admixed American, 0.0088%; no homozygotes.

Submission:

PreventionGenetics, part of Exact Sciences
Classification: Uncertain significance for SEMA3D-related condition. Last evaluated: 2026-01-29. Review status: criteria provided, single submitter. Criteria: ACMG Guidelines, 2015. Collection method: clinical testing. Allele origin: germline.
Comment: The SEMA3D c.152-6C>G variant is predicted to interfere with splicing. To our knowledge, this variant has not been reported in the literature. This variant may reduce the strength of the canonical splice acceptor site based on a computational splicing prediction program (SpliceAI, Jaganathan K, et al. 2019. PubMed ID: 30661751). However, the use of computer prediction programs is not equivalent to functional evidence. This variant is reported in 0.019% of alleles in individuals of Latino descent in gnomAD. At this time, the clinical significance of this variant is uncertain due to the absence of conclusive functional and genetic evidence.